The following is an entry in ClinVar:

ClinVar aggregate classification (germline): Uncertain significance (1 of 4 stars; one submission).

Submission:

CeGaT Center for Human Genetics Tuebingen
Classification: Uncertain significance. Last evaluated: 2026-08-01. Review status: criteria provided, single submitter. Criteria: CeGaT Center For Human Genetics Tuebingen Variant Classification Criteria Version 2. Collection method: clinical testing. Allele origin: germline. Affected: yes. Observed: 1 variant allele.
Comment: CCDC62: PM2, PVS1:Moderate, PM3:Supporting

NM_201435.5(CCDC62):c.931C>T (p.Gln311Ter)

Gene: CCDC62 (coiled-coil domain containing 62; plus strand). Cytogenetic location: 12q24.31.
Variant type: single nucleotide variant.
Coding change: c.931C>T on transcript NM_201435.5 (MANE Select); coding-DNA position 931, C replaced by T.
Protein change: p.Gln311Ter; replaces glutamine 311 with a stop codon.
Molecular consequence: nonsense. On other transcripts: non-coding transcript variant (1).
Genome position (GRCh38, 1-based): chr12:122,798,154, C>T. VCF-style: chr12-122798154-C-T. GRCh37 (hg19) VCF-style: chr12-123282701-C-T.
Other names: short protein forms Q311*.
Identifiers: ClinVar variation 5038975 (VCV005038975.1).